The following is an entry in ClinVar:

ClinVar aggregate classification (germline): Benign. Review status: criteria provided, multiple submitters, no conflicts (2 of 4 stars). 3 submissions from 3 submitters: Benign (3). Last evaluated 2018-06-16.

Conditions:
Cardiomyopathy-hypotonia-lactic acidosis syndrome (MPCD). Identifiers: Orphanet 91130, MedGen C1835845, MONDO:0012557, OMIM 610773.

Allele frequency attached by ClinVar (database versions not stated): gnomAD exomes 0.08666; gnomAD 0.11702 and 0.11857; 1000 Genomes Project 0.11981; 1000 Genomes Project 30x 0.12133; TOPMed 0.12328.

Submissions (3):

GeneDx
Classification: Benign. Last evaluated: 2018-06-16. Review status: criteria provided, single submitter. Criteria: GeneDx Variant Classification Process June 2021. Collection method: clinical testing. Allele origin: germline. Affected: yes.

Illumina Laboratory Services, Illumina
Classification: Benign for Cardiomyopathy-hypotonia-lactic acidosis syndrome. Last evaluated: 2018-01-13. Review status: criteria provided, single submitter. Criteria: ICSL Variant Classification Criteria 13 December 2019. Collection method: clinical testing. Allele origin: germline.
Comment: This variant was observed in the ICSL laboratory as part of a predisposition screen in an ostensibly healthy population. It had not been previously curated by ICSL or reported in the Human Gene Mutation Database (HGMD: prior to June 1st, 2018), and was therefore a candidate for classification through an automated scoring system. Utilizing variant allele frequency, disease prevalence and penetrance estimates, and inheritance mode, an automated score was calculated to assess if this variant is too frequent to cause the disease. Based on the score and internal cut-off values, a variant classified as benign is not then subjected to further curation. The score for this variant resulted in a classification of benign for this disease.

Breakthrough Genomics
Classification: Benign. Review status: criteria provided, single submitter. Criteria: ACMG Guidelines, 2015. Collection method: not provided. Allele origin: germline. Inheritance: Autosomal recessive inheritance. Affected: yes.

NM_002635.4(SLC25A3):c.*211T>A

Gene: SLC25A3 (solute carrier family 25 member 3; plus strand). Cytogenetic location: 12q23.1.
Variant type: single nucleotide variant.
Coding change: c.*211T>A on transcript NM_002635.4 (MANE Select); 211 bases downstream of the stop codon, T replaced by A.
Molecular consequence: 3 prime UTR variant.
Genome position (GRCh38, 1-based): chr12:98,601,739, T>A. VCF-style: chr12-98601739-T-A. GRCh37 (hg19) VCF-style: chr12-98995517-T-A.
Other names: c.*211T>A (NM_005888.4, NM_213611.3).
Identifiers: ClinVar variation 310806 (VCV000310806.9), dbSNP rs76488843, ClinGen allele CA10633771.